The following is an entry in ClinVar:

NM_016204.4(GDF2):c.1051T>C (p.Tyr351His)

Gene: GDF2 (growth differentiation factor 2; plus strand). Cytogenetic location: 10q11.22.
Variant type: single nucleotide variant.
Coding change: c.1051T>C on transcript NM_016204.4 (MANE Select); coding-DNA position 1051, T replaced by C.
Protein change: p.Tyr351His; replaces tyrosine 351 with histidine.
Molecular consequence: missense variant.
Genome position (GRCh38, 1-based): chr10:47,325,545, T>C. VCF-style: chr10-47325545-T-C. GRCh37 (hg19) VCF-style: chr10-48413817-A-G.
Other names: c.1051T>C (NM_016204.1); short protein forms Y351H.
Identifiers: ClinVar variation 650693 (VCV000650693.14), dbSNP rs1486994359, ClinGen allele CA376657665.

ClinVar aggregate classification (germline): Conflicting classifications of pathogenicity. Review status: criteria provided, conflicting classifications (1 of 4 stars). 3 submissions from 3 submitters: Likely pathogenic (2); Uncertain significance (1). Last evaluated 2025-10-01.

Conditions:
Telangiectasia, hereditary hemorrhagic, type 5 (HHT5). Identifiers: Orphanet 774, MedGen C3809710, MONDO:0014217, OMIM 615506.

Allele frequency attached by ClinVar (database versions not stated): gnomAD 0.00001; TOPMed 0.00001; gnomAD exomes 0.00002.

Submissions (3):

GeneDx
Classification: Likely pathogenic. Last evaluated: 2025-10-01. Review status: criteria provided, single submitter. Criteria: GeneDx Variant Classification Process June 2021. Collection method: clinical testing. Allele origin: germline. Affected: yes.
Comment: Published functional studies suggest Y351H is unable to be processed into its mature form and is unable to drive target gene expression (PMID: 31661308); Not observed at significant frequency in large population cohorts (gnomAD); In silico analysis supports that this missense variant has a deleterious effect on protein structure/function; This variant is associated with the following publications: (PMID: GirnaryZ2024[Abstract], 31661308)

Labcorp Genetics (formerly Invitae), Labcorp
Classification: Likely pathogenic for Telangiectasia, hereditary hemorrhagic, type 5. Last evaluated: 2025-01-15. Review status: criteria provided, single submitter. Criteria: Invitae Variant Classification Sherloc (09022015). Collection method: clinical testing. Allele origin: germline.
Comment: This sequence change replaces tyrosine, which is neutral and polar, with histidine, which is basic and polar, at codon 351 of the GDF2 protein (p.Tyr351His). This variant is present in population databases (no rsID available, gnomAD 0.004%). This missense change has been observed in individuals with pulmonary hypertension (PMID: 31661308; internal data). ClinVar contains an entry for this variant (Variation ID: 650693). Invitae Evidence Modeling of protein sequence and biophysical properties (such as structural, functional, and spatial information, amino acid conservation, physicochemical variation, residue mobility, and thermodynamic stability) indicates that this missense variant is expected to disrupt GDF2 protein function with a positive predictive value of 80%. Experimental studies have shown that this missense change affects GDF2 function (PMID: 31661308). In summary, the currently available evidence indicates that the variant is pathogenic, but additional data are needed to prove that conclusively. Therefore, this variant has been classified as Likely Pathogenic.

Revvity Omics, Revvity
Classification: Uncertain significance for Telangiectasia, hereditary hemorrhagic, type 5. Last evaluated: 2019-10-01. Review status: criteria provided, single submitter. Criteria: ACMG Guidelines, 2015. Collection method: clinical testing. Allele origin: germline.

Literature cited by the submitters: PubMed 31661308 (cited by Labcorp Genetics (formerly Invitae), Labcorp).